The following is an entry in ClinVar:

NM_001127222.2(CACNA1A):c.3529C>T (p.Pro1177Ser)

Gene: CACNA1A (calcium voltage-gated channel subunit alpha1 A; minus strand). Cytogenetic location: 19p13.13.
Variant type: single nucleotide variant.
Coding change: c.3529C>T on transcript NM_001127222.2 (MANE Select); coding-DNA position 3529, C replaced by T.
Protein change: p.Pro1177Ser; replaces proline 1177 with serine.
Molecular consequence: missense variant.
Genome position (GRCh38, 1-based): chr19:13,286,527, G>A on the plus strand (C>T on the coding strand, the complement: CACNA1A is on the minus strand). VCF-style: chr19-13286527-G-A. GRCh37 (hg19) VCF-style: chr19-13397341-G-A.
Other names: c.3541C>T, p.Pro1181Ser (NM_000068.4, NM_023035.3); c.3532C>T, p.Pro1178Ser (NM_001127221.2, NM_001174080.2); short protein forms P1181S, P1177S, P1178S.
Identifiers: ClinVar variation 950046 (VCV000950046.11), dbSNP rs1057522207, ClinGen allele CA404341184.

ClinVar aggregate classification (germline): Uncertain significance. Review status: criteria provided, multiple submitters, no conflicts (2 of 4 stars). 2 submissions from 2 submitters: Uncertain significance (2). Last evaluated 2019-07-11.

Conditions:
Developmental and epileptic encephalopathy, 42 (DEE42A). Also called: DEVELOPMENTAL AND EPILEPTIC ENCEPHALOPATHY 42A; EPILEPTIC ENCEPHALOPATHY, EARLY INFANTILE, 42A; Epileptic encephalopathy, early infantile, 42. Identifiers: MedGen C4310716, MONDO:0014917, OMIM 617106.
Episodic ataxia type 2 (EA2). Also called: ATAXIA, EPISODIC, WITH NYSTAGMUS; ATAXIA, FAMILIAL PAROXYSMAL; CEREBELLAR ATAXIA, PAROXYSMAL, ACETAZOLAMIDE-RESPONSIVE; ACETAZOLAMIDE-RESPONSIVE HEREDITARY PAROXYSMAL CEREBELLAR ATAXIA; CEREBELLOPATHY, HEREDITARY PAROXYSMAL; EPISODIC ATAXIA, NYSTAGMUS-ASSOCIATED. Identifiers: Orphanet 97, MedGen C1720416, MONDO:0007163, OMIM 108500.

gnomAD v4.1: 1 of 1,498,406 alleles (0.000067%); highest among the groups gnomAD compares: Middle Eastern, 0.018%; no homozygotes.

Submissions (2):

Labcorp Genetics (formerly Invitae), Labcorp
Classification: Uncertain significance for Developmental and epileptic encephalopathy, 42; Episodic ataxia type 2. Last evaluated: 2019-07-11. Review status: criteria provided, single submitter. Criteria: Invitae Variant Classification Sherloc (09022015). Collection method: clinical testing. Allele origin: germline.
Comment: This sequence change replaces proline with serine at codon 1178 of the CACNA1A protein (p.Pro1178Ser). The proline residue is moderately conserved and there is a moderate physicochemical difference between proline and serine. This variant is not present in population databases (ExAC no frequency). This variant has not been reported in the literature in individuals with CACNA1A-related conditions. Algorithms developed to predict the effect of missense changes on protein structure and function are either unavailable or do not agree on the potential impact of this missense change (SIFT: "Deleterious"; PolyPhen-2: "Benign"; Align-GVGD: "Class C0"). In summary, the available evidence is currently insufficient to determine the role of this variant in disease. Therefore, it has been classified as a Variant of Uncertain Significance.

GeneDx
Classification: Uncertain significance. Last evaluated: 2019-04-17. Review status: criteria provided, single submitter. Criteria: GeneDx Variant Classification Process June 2021. Collection method: clinical testing. Allele origin: germline. Affected: yes.
Comment: Not observed in large population cohorts (Lek et al., 2016); In silico analysis, which includes protein predictors and evolutionary conservation, supports a deleterious effect; Has not been previously published as pathogenic or benign to our knowledge